The following is an entry in ClinVar:

NM_000540.3(RYR1):c.2164A>G (p.Thr722Ala)

Gene: RYR1 (ryanodine receptor 1; plus strand). Cytogenetic location: 19q13.2.
Variant type: single nucleotide variant.
Coding change: c.2164A>G on transcript NM_000540.3 (MANE Select); coding-DNA position 2164, A replaced by G.
Protein change: p.Thr722Ala; replaces threonine 722 with alanine.
Molecular consequence: missense variant.
Genome position (GRCh38, 1-based): chr19:38,458,289, A>G. VCF-style: chr19-38458289-A-G. GRCh37 (hg19) VCF-style: chr19-38948929-A-G.
Other names: c.2164A>G, p.Thr722Ala (NM_001042723.2); short protein forms T722A.
Identifiers: ClinVar variation 889562 (VCV000889562.6), dbSNP rs1183569355, ClinGen allele CA405698003.

ClinVar aggregate classification (germline): Uncertain significance. Review status: criteria provided, multiple submitters, no conflicts (2 of 4 stars). 5 submissions from 3 submitters: Uncertain significance (5). Last evaluated 2026-07-06.

Conditions:
Central core myopathy (CMYO1A). Also called: Central core disease; Myopathy, central fibrillar; CONGENITAL MYOPATHY 1A, AUTOSOMAL DOMINANT, WITH SUSCEPTIBILITY TO MALIGNANT HYPERTHERMIA. Identifiers: Orphanet 597, MedGen C5830701, MONDO:0007294, OMIM 117000.
Congenital multicore myopathy with external ophthalmoplegia (CMYO1B). Also called: Minicore myopathy with external ophthalmoplegia; MULTIMINICORE DISEASE WITH EXTERNAL OPHTHALMOPLEGIA; MULTICORE MYOPATHY; Congenital myopathy 1B, autosomal recessive; Minicore myopathy. Identifiers: Orphanet 598, Orphanet 98905, MedGen C1850674, MONDO:0009712, OMIM 255320, HP:0003789.
Malignant hyperthermia, susceptibility to, 1 (MHS1). Also called: Malignant hyperthermia suceptibility 1; Anesthesia related hyperthermia; Malignant hyperpyrexia; Fulminating hyperpyrexia; Pharmacogenic myopathy; RYR1-Related Malignant Hyperthermia Susceptibility. Identifiers: Orphanet 423, MedGen C2930980, MONDO:0007783, OMIM 145600.
Inborn genetic diseases. Identifiers: MedGen C0950123, MeSH D030342.

Allele frequency attached by ClinVar (database versions not stated): gnomAD exomes below 0.00001; TOPMed below 0.00001.
gnomAD v4.1: 39 of 1,613,544 alleles (0.0024%); highest among the groups gnomAD compares: Non-Finnish European, 0.0031%; no homozygotes.

Submissions (5):

Ambry Genetics
Classification: Uncertain significance for Inborn genetic diseases. Last evaluated: 2026-07-06. Review status: criteria provided, single submitter. Criteria: Ambry Variant Classification Scheme 2023. Collection method: clinical testing. Allele origin: germline.
Comment: The p.T722A variant (also known as c.2164A>G), located in coding exon 18 of the RYR1 gene, results from an A to G substitution at nucleotide position 2164. The threonine at codon 722 is replaced by alanine, an amino acid with similar properties. This amino acid position is conserved. In addition, this alteration is predicted to be tolerated by in silico analysis. Based on the available evidence, the clinical significance of this variant remains unclear.

Color Diagnostics, LLC DBA Color Health
Classification: Uncertain significance for Malignant hyperthermia, susceptibility to, 1. Last evaluated: 2025-06-23. Review status: criteria provided, single submitter. Criteria: ACMG Guidelines, 2015. Collection method: clinical testing. Allele origin: germline.
Comment: This missense variant replaces threonine with alanine at codon 722 of the RYR1 protein. Computational prediction suggests that this variant may not impact protein structure and function. To our knowledge, functional studies have not been reported for this variant. This variant has not been reported in individuals affected with RYR1-related disorders in the literature. This variant has been identified in 1/245872 chromosomes in the general population by the Genome Aggregation Database (gnomAD). The available evidence is insufficient to determine the role of this variant in disease conclusively. Therefore, this variant is classified as a Variant of Uncertain Significance.

Illumina Laboratory Services, Illumina
Classification: Uncertain significance for Central core myopathy. Last evaluated: 2017-04-27. Review status: criteria provided, single submitter. Criteria: ICSL Variant Classification Criteria 13 December 2019. Collection method: clinical testing. Allele origin: germline.

Illumina Laboratory Services, Illumina
Classification: Uncertain significance for Congenital multicore myopathy with external ophthalmoplegia. Last evaluated: 2017-04-27. Review status: criteria provided, single submitter. Criteria: ICSL Variant Classification Criteria 13 December 2019. Collection method: clinical testing. Allele origin: germline.

Illumina Laboratory Services, Illumina
Classification: Uncertain significance for Malignant hyperthermia, susceptibility to, 1. Last evaluated: 2017-04-27. Review status: criteria provided, single submitter. Criteria: ICSL Variant Classification Criteria 13 December 2019. Collection method: clinical testing. Allele origin: germline.